The following is an entry in ClinVar:

NM_014946.4(SPAST):c.1483G>A (p.Ala495Thr)

Gene: SPAST (spastin; plus strand). Cytogenetic location: 2p22.3.
Variant type: single nucleotide variant.
Coding change: c.1483G>A on transcript NM_014946.4 (MANE Select); coding-DNA position 1483, G replaced by A.
Protein change: p.Ala495Thr; replaces alanine 495 with threonine.
Molecular consequence: missense variant.
Genome position (GRCh38, 1-based): chr2:32,137,178, G>A. VCF-style: chr2-32137178-G-A. GRCh37 (hg19) VCF-style: chr2-32362247-G-A.
Other names: c.1480G>A, p.Ala494Thr (NM_001363823.2); c.1384G>A, p.Ala462Thr (NM_001363875.2); c.1387G>A, p.Ala463Thr (NM_001377959.1, NM_199436.2); short protein forms A495T, A462T, A463T, A494T.
Identifiers: ClinVar variation 409032 (VCV000409032.11), dbSNP rs1060502228, ClinGen allele CA16610831.

ClinVar aggregate classification (germline): Pathogenic. Review status: criteria provided, single submitter (1 of 4 stars). 2 submissions from 2 submitters: Pathogenic (1). 1 of the submissions does not count toward it. Last evaluated 2023-06-19.

Conditions:
Hereditary spastic paraplegia 4. Also called: Spastic paraplegia 4, autosomal dominant; Familial spastic paraplegia autosomal dominant 2; Spastic Paraplegia 4. Identifiers: Orphanet 100985, MedGen C1866855, MONDO:0008438, OMIM 182601.
SPAST-related disorder. Also called: SPAST-related condition.

Submissions (2):

Labcorp Genetics (formerly Invitae), Labcorp
Classification: Pathogenic for Hereditary spastic paraplegia 4. Last evaluated: 2023-06-19. Review status: criteria provided, single submitter. Criteria: Invitae Variant Classification Sherloc (09022015). Collection method: clinical testing. Allele origin: germline.
Comment: For these reasons, this variant has been classified as Pathogenic. This variant disrupts the p.Ala495 amino acid residue in SPAST. Other variant(s) that disrupt this residue have been determined to be pathogenic (PMID: 31157359, 32989326). This suggests that this residue is clinically significant, and that variants that disrupt this residue are likely to be disease-causing. Advanced modeling of protein sequence and biophysical properties (such as structural, functional, and spatial information, amino acid conservation, physicochemical variation, residue mobility, and thermodynamic stability) performed at Invitae indicates that this missense variant is expected to disrupt SPAST protein function. ClinVar contains an entry for this variant (Variation ID: 409032). This missense change has been observed in individual(s) with hereditary spastic paraplegia (Invitae). In at least one individual the variant was observed to be de novo. This variant is not present in population databases (gnomAD no frequency). This sequence change replaces alanine, which is neutral and non-polar, with threonine, which is neutral and polar, at codon 495 of the SPAST protein (p.Ala495Thr).

PreventionGenetics, part of Exact Sciences
Classification: Uncertain significance for SPAST-related condition. Last evaluated: 2024-01-11. Review status: no assertion criteria provided. Collection method: clinical testing. Allele origin: germline. Not counted in ClinVar's aggregate classification.
Comment: The SPAST c.1483G>A variant is predicted to result in the amino acid substitution p.Ala495Thr. To our knowledge, this variant has not been reported in the literature or in a large population database, indicating this variant is rare. Alternate nucleotide changes affecting the same amino acid (p.Ala495Pro and p.Ala495Val) have been reported in individuals with spastic paraplegia and dystonia (Table 2, de novo, Schieving et al. 2019. PubMed ID: 31157359; Table S2, Sup. Fig. 16, de novo, Zech et al. 2020. PubMed ID: 33098801 ). Although we suspect that the c.1483G>A (p.Ala495Thr) variant is pathogenic, at this time, the clinical significance of this variant is uncertain due to the absence of conclusive functional and genetic evidence.

Literature cited by the submitters: PubMed 31157359 (cited by Labcorp Genetics (formerly Invitae), Labcorp); PubMed 32989326 (cited by Labcorp Genetics (formerly Invitae), Labcorp).